The following is an entry in ClinVar:

NM_000492.4(CFTR):c.1766+3A>G

Gene: CFTR (CF transmembrane conductance regulator; plus strand). Cytogenetic location: 7q31.2.
Variant type: single nucleotide variant.
Coding change: c.1766+3A>G on transcript NM_000492.4 (MANE Select); 3 bases into the intron after coding-DNA position 1766, A replaced by G.
Molecular consequence: intron variant.
Genome position (GRCh38, 1-based): chr7:117,590,442, A>G. VCF-style: chr7-117590442-A-G. GRCh37 (hg19) VCF-style: chr7-117230496-A-G.
Other names: 1898+3A->G.
Identifiers: ClinVar variation 53379 (VCV000053379.30), dbSNP rs397508298, ClinGen allele CA328090.

ClinVar aggregate classification (germline): Pathogenic. Review status: reviewed by expert panel (3 of 4 stars). 16 submissions from 15 submitters: Pathogenic (1). 15 of the submissions do not count toward it. Last evaluated 2017-03-17.

Conditions:
CFTR-related disorder (CFTR-RD). Also called: CFTR-related condition; CFTR-related disorders. Identifiers: MedGen C5924204, MONDO:7770004.
Bronchiectasis with or without elevated sweat chloride 1 (BESC1). Also called: Cystic Fibrosis-Like Syndrome. Identifiers: Orphanet 60033, MedGen C2749757, MONDO:0008887, OMIM 211400.
Cystic fibrosis (CF). Also called: MUCOVISCIDOSIS. Identifiers: Orphanet 586, MedGen C0010674, MONDO:0009061, OMIM 219700. Disease mechanism: loss of function.

Allele frequency attached by ClinVar (database versions not stated): gnomAD 0.00001.
gnomAD v4.1: 4 of 1,599,432 alleles (0.00025%); highest among the groups gnomAD compares: South Asian, 0.0011%; no homozygotes.

Submissions (16):

CFTR2
Classification: Pathogenic for Cystic fibrosis. Last evaluated: 2017-03-17. Review status: reviewed by expert panel. Criteria: Sosnay PR et al. (Nat Genet 2013). Collection method: research. Allele origin: germline. Affected: yes. Study: CFTR2.

Institute of Human Genetics, University of Leipzig Medical Center
Classification: Pathogenic for Cystic fibrosis. Last evaluated: 2026-03-23. Review status: criteria provided, single submitter. Criteria: ACMG Guidelines, 2015. Collection method: clinical testing. Allele origin: unknown. Inheritance: Autosomal recessive inheritance. Affected: yes. Not counted in ClinVar's aggregate classification.
Comment: Criteria applied: PVS1,PM3_STR,PM2_SUP,PP4

Women's Health and Genetics/Laboratory Corporation of America, LabCorp
Classification: Pathogenic for Cystic fibrosis. Last evaluated: 2025-03-05. Review status: criteria provided, single submitter. Criteria: LabCorp Variant Classification Summary - May 2015. Collection method: clinical testing. Allele origin: germline. Not counted in ClinVar's aggregate classification.
Comment: Variant summary: CFTR c.1766+3A>G alters a conserved nucleotide located close to a canonical splice site and therefore could affect mRNA splicing, leading to a significantly altered protein sequence. Several computational tools predict a significant impact on normal splicing: 3 predict the variant weakens a 5' donor site. At least one publication reports experimental evidence confirming that this variant affects mRNA splicing, and causes exon 12 skipping in a mini-gene system (Dujardin_2011). The variant allele was found at a frequency of 2.5e-06 in 1592600 control chromosomes in the gnomAD database (v4.1 dataset). c.1766+3A>G has been reported in the literature in multiple individuals affected with Cystic Fibrosis (e.g. Dujardin_2011, Sosnay_2013). These data indicate that the variant is very likely to be associated with disease. The following publications have been ascertained in the context of this evaluation (PMID: 23974870, 21317048). ClinVar contains an entry for this variant (Variation ID: 53379). Based on the evidence outlined above, the variant was classified as pathogenic.

Natera, Inc.
Classification: Pathogenic for CFTR-related disorders. Last evaluated: 2024-07-12. Review status: criteria provided, single submitter. Criteria: Natera Variant Classification Schema (03/2026). Collection method: clinical testing. Allele origin: germline. Not counted in ClinVar's aggregate classification.
Comment: The c.1766+3A>G variant in CFTR is an intronic variant located outside the canonical splice sites. This variant is rare in the general population with a frequency below the threshold expected for the associated phenotype(s). This variant has been observed in one or more individuals affected with the associated recessive disease, as either homozygous or compound heterozygous with a second variant (PMID: 7535742, 15772171, 21909392, 18178635, 15994263, 32084388). Computational prediction algorithms indicate this variant is likely to affect gene or protein function. Given the available evidence, this variant is classified as Pathogenic.

Baylor Genetics
Classification: Pathogenic for Bronchiectasis with or without elevated sweat chloride 1. Last evaluated: 2024-03-02. Review status: criteria provided, single submitter. Criteria: ACMG Guidelines, 2015. Collection method: clinical testing. Allele origin: unknown. Not counted in ClinVar's aggregate classification.

Johns Hopkins Genomics, Johns Hopkins University
Classification: Pathogenic for Cystic fibrosis. Last evaluated: 2022-09-06. Review status: criteria provided, single submitter. Criteria: ACMG Guidelines, 2015. Collection method: clinical testing. Allele origin: germline. Not counted in ClinVar's aggregate classification.
Comment: Disease-causing CFTR variant. See CFTR2 for phenotype information.

ARUP Laboratories, Molecular Genetics and Genomics, ARUP Laboratories
Classification: Pathogenic. Last evaluated: 2022-08-12. Review status: criteria provided, single submitter. Criteria: ARUP Molecular Germline Variant Investigation Process 2021. Collection method: clinical testing. Allele origin: germline. Not counted in ClinVar's aggregate classification.
Comment: The CFTR c.1766+3A>G variant (rs397508298), also reported as c.1898+3A>G, is reported in the literature as heterozygous and homozygous in individuals affected with cystic fibrosis (Casals 1997, Cremonsei 1992, Hirtz 2004, Stanke 2008, Sosnay 2013). Functional analyses of the variant found it resulted in the skipping of exon 12 (Dujardin 2011, Fernandez Alanis 2012). This variant is reported as pathogenic by an expert panel ClinVar (Variation ID: 53379) and is absent from the Genome Aggregation Database, indicating it is not a common polymorphism. Based on available information, this variant is considered to be pathogenic. References: Casals T et al. High heterogeneity for cystic fibrosis in Spanish families: 75 mutations account for 90% of chromosomes. Hum Genet. 1997 Dec;101(3):365-70. PMID: 9439669. Cremonesi L et al. Four new mutations of the CFTR gene (541delC, R347H, R352Q, E585X) detected by DGGE analysis in Italian CF patients, associated with different clinical phenotypes. Hum Mutat. 1992;1(4):314-9. PMID: 1284538. Dujardin G et al. Splicing defects in the CFTR gene: minigene analysis of two mutations, 1811+1G>C and 1898+3A>G. J Cyst Fibros. 2011 May;10(3):212-6. PMID: 21317048. Fernandez Alanis E et al. An exon-specific U1 small nuclear RNA (snRNA) strategy to correct splicing defects. Hum Mol Genet. 2012 Jun 1;21(11):2389-98. PMID: 22362925. Hirtz S et al. CFTR Cl- channel function in native human colon correlates with the genotype and phenotype in cystic fibrosis. Gastroenterology. 2004 Oct;127(4):1085-95. PMID: 15480987. Stanke F et al. Diversity of the basic defect of homozygous CFTR mutation genotypes in humans. J Med Genet. 2008 Jan;45(1):47-54. PMID: 18178635. Sosnay PR et al. Defining the disease liability of variants in the cystic fibrosis transmembrane conductance regulator gene. Nat Genet. 2013 Oct;45(10):1160-7. PMID: 23974870.

Labcorp Genetics (formerly Invitae), Labcorp
Classification: Pathogenic for Cystic fibrosis. Last evaluated: 2022-06-13. Review status: criteria provided, single submitter. Criteria: Invitae Variant Classification Sherloc (09022015). Collection method: clinical testing. Allele origin: germline. Not counted in ClinVar's aggregate classification.
Comment: This variant is not present in population databases (gnomAD no frequency). This sequence change falls in intron 13 of the CFTR gene. It does not directly change the encoded amino acid sequence of the CFTR protein. RNA analysis indicates that this variant induces altered splicing and likely results in a shortened protein product. This variant has been observed in individuals with cystic fibrosis (PMID: 15480987, 18178635). This variant is also known as 1898+3A>G. For these reasons, this variant has been classified as Pathogenic. This variant disrupts a region of the CFTR protein in which other variant(s) (p.Asp579Gly) have been determined to be pathogenic (PMID: 7544319, 15463898, 26494713, 27738188, 27812499). This suggests that this is a clinically significant region of the protein, and that variants that disrupt it are likely to be disease-causing. Variants that disrupt the consensus splice site are a relatively common cause of aberrant splicing (PMID: 17576681, 9536098). Studies have shown that this variant results in skipping of exon 13, but is expected to preserve the integrity of the reading-frame (PMID: 21317048, 32935393). ClinVar contains an entry for this variant (Variation ID: 53379).

Ambry Genetics
Classification: Pathogenic for Cystic fibrosis. Last evaluated: 2021-12-30. Review status: criteria provided, single submitter. Criteria: Ambry Variant Classification Scheme 2023. Collection method: clinical testing. Allele origin: germline. Not counted in ClinVar's aggregate classification.
Comment: The c.1766+3A>G (also known as 1898+3A>G) intronic pathogenic mutation results from an A to G substitution 3 nucleotides after coding exon 13 in the CFTR gene. This mutation has been reported in cystic fibrosis patients from Italy, Spain, and Finland (Cremonesi L, Hum. Mutat. 1992 ; 1(4):314-9; Casals T, Hum. Genet. 1997 Dec; 101(3):365-70; Kinnunen S, J. Cyst. Fibros. 2005 Dec; 4(4):233-7). This mutation results in full exon skipping resulting in zero correctly spliced RNA (Dujardin G, J. Cyst. Fibros. 2011 May; 10(3):212-6) and it is associated with elevated sweat chloride levels, decreased lung function, and pancreatic sufficiency (Sosnay PR, Nat. Genet. 2013 Oct; 45(10):1160-7, Supplementary Table and The Clinical and Functional Translation of CFTR (CFTR2); available at CFTR2. Accessed September 28, 2015). This nucleotide position is well conserved in available vertebrate species. In silico splice site analysis predicts that this alteration will weaken the native splice donor site. Based on the supporting evidence, this alteration is interpreted as a disease-causing mutation.

Genome Diagnostics Laboratory, The Hospital for Sick Children
Classification: Pathogenic for Cystic fibrosis. Last evaluated: 2019-09-04. Review status: criteria provided, single submitter. Criteria: ACMG Guidelines, 2015. Collection method: clinical testing. Allele origin: germline. Not counted in ClinVar's aggregate classification.

Blueprint Genetics
Classification: Pathogenic for CFTR-related disorders. Last evaluated: 2019-06-26. Review status: criteria provided, single submitter. Criteria: ACMG Guidelines, 2015. Collection method: clinical testing. Allele origin: germline. Affected: yes. Observed: 2 variant alleles. Not counted in ClinVar's aggregate classification.

Mendelics
Classification: Pathogenic for Cystic fibrosis. Last evaluated: 2018-11-05. Review status: criteria provided, single submitter. Criteria: Mendelics Assertion Criteria 2017. Collection method: clinical testing. Allele origin: unknown. Affected: yes. Not counted in ClinVar's aggregate classification.

CFTR-France
Classification: Pathogenic for cystic fibrosis. Last evaluated: 2018-01-29. Review status: criteria provided, single submitter. Criteria: Claustres M et al. (Hum Mutat 2017). Collection method: curation. Allele origin: germline. Affected: yes. Not counted in ClinVar's aggregate classification.

Eurofins Ntd Llc (ga)
Classification: Pathogenic. Last evaluated: 2016-05-23. Review status: criteria provided, single submitter. Criteria: EGL Classification Definitions 2015. Collection method: clinical testing. Allele origin: germline. Observed: 1 variant allele, 1 heterozygote. Not counted in ClinVar's aggregate classification.

Genome Diagnostics Laboratory, The Hospital for Sick Children
Classification: Pathogenic for CFTR-related disorders. Last evaluated: 2019-09-04. Review status: no assertion criteria provided. Collection method: clinical testing. Allele origin: germline. Not counted in ClinVar's aggregate classification.

Counsyl
Classification: Pathogenic for Cystic fibrosis. Last evaluated: 2019-06-27. Review status: no assertion criteria provided. Collection method: clinical testing. Allele origin: unknown. Not counted in ClinVar's aggregate classification.

Literature cited by the submitters: PubMed 23974870 (cited by 3 submitters); PubMed 21317048 (cited by 5 submitters); PubMed 7535742 (cited by Natera, Inc.); PubMed 15772171 (cited by Natera, Inc.); PubMed 21909392 (cited by Natera, Inc.); PubMed 18178635 (cited by 3 submitters); PubMed 15994263 (cited by Natera, Inc.); PubMed 32084388 (cited by Natera, Inc.); PubMed 15480987 (cited by Labcorp Genetics (formerly Invitae), Labcorp and Counsyl); PubMed 7544319 (cited by Labcorp Genetics (formerly Invitae), Labcorp); PubMed 15463898 (cited by Labcorp Genetics (formerly Invitae), Labcorp); PubMed 26494713 (cited by Labcorp Genetics (formerly Invitae), Labcorp); PubMed 27738188 (cited by Labcorp Genetics (formerly Invitae), Labcorp); PubMed 27812499 (cited by Labcorp Genetics (formerly Invitae), Labcorp); PubMed 17576681 (cited by Labcorp Genetics (formerly Invitae), Labcorp); PubMed 9536098 (cited by Labcorp Genetics (formerly Invitae), Labcorp); PubMed 32935393 (cited by Labcorp Genetics (formerly Invitae), Labcorp); PubMed 1284538 (cited by Ambry Genetics); PubMed 16051530 (cited by Ambry Genetics); PubMed 9439669 (cited by Ambry Genetics); PubMed 22362925 (cited by Counsyl).